The following is an entry in ClinVar:

NM_000382.3(ALDH3A2):c.91C>T (p.Arg31Trp)

Gene: ALDH3A2 (aldehyde dehydrogenase 3 family member A2; plus strand). Cytogenetic location: 17p11.2.
Variant type: single nucleotide variant.
Coding change: c.91C>T on transcript NM_000382.3 (MANE Select); coding-DNA position 91, C replaced by T.
Protein change: p.Arg31Trp; replaces arginine 31 with tryptophan.
Molecular consequence: missense variant. On other transcripts: 5 prime UTR variant (1).
Genome position (GRCh38, 1-based): chr17:19,649,062, C>T. VCF-style: chr17-19649062-C-T. GRCh37 (hg19) VCF-style: chr17-19552375-C-T.
Other names: c.91C>T, p.Arg31Trp (NM_001031806.2, NM_001369136.1, NM_001369137.2 and 3 more transcripts); c.-598C>T (NM_001369148.2); short protein forms R31W.
Identifiers: ClinVar variation 5005718 (VCV005005718.2).

ClinVar aggregate classification (germline): Uncertain significance (1 of 4 stars; one submission).

Conditions:
Sjögren-Larsson syndrome (SLS). Also called: FALDH DEFICIENCY; FATTY ALCOHOL:NAD+ OXIDOREDUCTASE DEFICIENCY; FATTY ALDEHYDE DEHYDROGENASE DEFICIENCY; ICHTHYOSIS, SPASTIC NEUROLOGIC DISORDER, AND OLIGOPHRENIA. Identifiers: Orphanet 816, MedGen C0037231, MONDO:0010031, OMIM 270200.

gnomAD v4.1: 66 of 1,584,340 alleles (0.0042%); highest among the groups gnomAD compares: East Asian, 0.14%; no homozygotes.

Submission:

Juno Genomics, Hangzhou Juno Genomics, Inc
Classification: Uncertain significance for Sjögren-Larsson syndrome. Review status: criteria provided, single submitter. Criteria: ACMG Guidelines, 2015. Collection method: clinical testing. Allele origin: germline.
Comment: Absent from controls (or at extremely low frequency if recessive) in Genome Aggregation Database.